The following is an entry in ClinVar:

NM_145207.3(AFG2A):c.1574A>G (p.Asn525Ser)

Gene: AFG2A (AFG2 AAA ATPase homolog A; plus strand). Cytogenetic location: 4q28.1.
Variant type: single nucleotide variant.
Coding change: c.1574A>G on transcript NM_145207.3 (MANE Select); coding-DNA position 1574, A replaced by G.
Protein change: p.Asn525Ser; replaces asparagine 525 with serine.
Molecular consequence: missense variant.
Genome position (GRCh38, 1-based): chr4:122,947,348, A>G. VCF-style: chr4-122947348-A-G. GRCh37 (hg19) VCF-style: chr4-123868503-A-G.
Other names: c.1571A>G, p.Asn524Ser (NM_001317799.2, NM_001345856.2); c.1574A>G (NM_145207.2); short protein forms N524S, N525S.
Identifiers: ClinVar variation 1037664 (VCV001037664.4), dbSNP rs150684555, ClinGen allele CA3070490.

ClinVar aggregate classification (germline): Uncertain significance. Review status: criteria provided, multiple submitters, no conflicts (2 of 4 stars). 3 submissions from 3 submitters: Uncertain significance (3). Last evaluated 2024-12-03.

Conditions:
Inborn genetic diseases. Identifiers: MedGen C0950123, MeSH D030342.
Microcephaly-intellectual disability-sensorineural hearing loss-epilepsy-abnormal muscle tone syndrome (NEDHSB). Also called: NEURODEVELOPMENTAL DISORDER WITH HEARING LOSS, SEIZURES, AND BRAIN ABNORMALITIES. Identifiers: Orphanet 457351, MedGen C4225276, MONDO:0014698, OMIM 616577.

Allele frequency attached by ClinVar (database versions not stated): gnomAD 0.00001; ExAC 0.00002; TOPMed 0.00002; gnomAD exomes 0.00003; ESP Exome Variant Server 0.00015.
gnomAD v4.1: 26 of 1,613,944 alleles (0.0016%); highest among the groups gnomAD compares: South Asian, 0.0022%; no homozygotes.

Submissions (3):

Ambry Genetics
Classification: Uncertain significance for Inborn genetic diseases. Last evaluated: 2024-12-03. Review status: criteria provided, single submitter. Criteria: Ambry Variant Classification Scheme 2023. Collection method: clinical testing. Allele origin: germline.

GeneDx
Classification: Uncertain significance. Last evaluated: 2024-05-13. Review status: criteria provided, single submitter. Criteria: GeneDx Variant Classification Process June 2021. Collection method: clinical testing. Allele origin: germline. Affected: yes.
Comment: Not observed at significant frequency in large population cohorts (gnomAD); In silico analysis indicates that this missense variant does not alter protein structure/function; Has not been previously published as pathogenic or benign to our knowledge

Labcorp Genetics (formerly Invitae), Labcorp
Classification: Uncertain significance for Microcephaly-intellectual disability-sensorineural hearing loss-epilepsy-abnormal muscle tone syndrome. Last evaluated: 2022-04-24. Review status: criteria provided, single submitter. Criteria: Invitae Variant Classification Sherloc (09022015). Collection method: clinical testing. Allele origin: germline.
Comment: This sequence change replaces asparagine, which is neutral and polar, with serine, which is neutral and polar, at codon 525 of the SPATA5 protein (p.Asn525Ser). This variant is present in population databases (rs150684555, gnomAD 0.007%). This variant has not been reported in the literature in individuals affected with SPATA5-related conditions. ClinVar contains an entry for this variant (Variation ID: 1037664). Advanced modeling of protein sequence and biophysical properties (such as structural, functional, and spatial information, amino acid conservation, physicochemical variation, residue mobility, and thermodynamic stability) performed at Invitae indicates that this missense variant is not expected to disrupt SPATA5 protein function. In summary, the available evidence is currently insufficient to determine the role of this variant in disease. Therefore, it has been classified as a Variant of Uncertain Significance.